The following is an entry in ClinVar:

ClinVar aggregate classification (germline): Uncertain significance (1 of 4 stars; one submission).

Conditions:
Hereditary cancer-predisposing syndrome. Also called: Neoplastic Syndromes, Hereditary; Tumor predisposition; Hereditary neoplastic syndrome; Hereditary Cancer Syndrome. Identifiers: Orphanet 140162, MedGen C0027672, MeSH D009386, MONDO:0015356.

Submission:

Ambry Genetics
Classification: Uncertain significance for Hereditary cancer-predisposing syndrome. Last evaluated: 2026-07-07. Review status: criteria provided, single submitter. Criteria: Ambry Variant Classification Scheme 2023. Collection method: clinical testing. Allele origin: germline.
Comment: The p.S201C variant (also known as c.601A>T), located in coding exon 4 of the MSH3 gene, results from an A to T substitution at nucleotide position 601. The serine at codon 201 is replaced by cysteine, an amino acid with dissimilar properties. This amino acid position is conserved. In addition, this alteration is predicted to be tolerated by in silico analysis. Based on the available evidence, the clinical significance of this variant remains unclear.

NM_002439.5(MSH3):c.601A>T (p.Ser201Cys)

Gene: MSH3 (mutS homolog 3; plus strand). Cytogenetic location: 5q14.1.
Variant type: single nucleotide variant.
Coding change: c.601A>T on transcript NM_002439.5 (MANE Select); coding-DNA position 601, A replaced by T.
Protein change: p.Ser201Cys; replaces serine 201 with cysteine.
Molecular consequence: missense variant.
Genome position (GRCh38, 1-based): chr5:80,670,118, A>T. VCF-style: chr5-80670118-A-T. GRCh37 (hg19) VCF-style: chr5-79965937-A-T.
Other names: short protein forms S201C.
Identifiers: ClinVar variation 5024785 (VCV005024785.1).